The following is an entry in ClinVar:

ClinVar aggregate classification (germline): Uncertain significance. Review status: criteria provided, multiple submitters, no conflicts (2 of 4 stars). 3 submissions from 3 submitters: Uncertain significance (3). Last evaluated 2025-03-23.

Conditions:
POLD1-related polyposis and colorectal cancer syndrome (CRCS10). Also called: COLORECTAL CANCER, SUSCEPTIBILITY TO, ON CHROMOSOME 19q; Colorectal cancer 10; Colorectal cancer, susceptibility to, 10. Identifiers: Orphanet 220460, MedGen C2675481, MONDO:0012953, OMIM 612591.
Hereditary cancer-predisposing syndrome. Also called: Neoplastic Syndromes, Hereditary; Tumor predisposition; Hereditary Cancer Syndrome; Hereditary neoplastic syndrome. Identifiers: Orphanet 140162, MedGen C0027672, MeSH D009386, MONDO:0015356.

Submissions (3):

Labcorp Genetics (formerly Invitae), Labcorp
Classification: Uncertain significance for POLD1-related polyposis and colorectal cancer syndrome. Last evaluated: 2025-03-23. Review status: criteria provided, single submitter. Criteria: Invitae Variant Classification Sherloc (09022015). Collection method: clinical testing. Allele origin: germline.
Comment: This sequence change replaces glutamic acid, which is acidic and polar, with alanine, which is neutral and non-polar, at codon 330 of the POLD1 protein (p.Glu330Ala). This variant is not present in population databases (gnomAD no frequency). This variant has not been reported in the literature in individuals affected with POLD1-related conditions. ClinVar contains an entry for this variant (Variation ID: 2430677). Invitae Evidence Modeling of protein sequence and biophysical properties (such as structural, functional, and spatial information, amino acid conservation, physicochemical variation, residue mobility, and thermodynamic stability) indicates that this missense variant is not expected to disrupt POLD1 protein function with a negative predictive value of 80%. In summary, the available evidence is currently insufficient to determine the role of this variant in disease. Therefore, it has been classified as a Variant of Uncertain Significance.

Ambry Genetics
Classification: Uncertain significance for Hereditary cancer-predisposing syndrome. Last evaluated: 2022-12-09. Review status: criteria provided, single submitter. Criteria: Ambry Variant Classification Scheme 2023. Collection method: clinical testing. Allele origin: germline.
Comment: The p.E330A variant (also known as c.989A>C), located in coding exon 8 of the POLD1 gene, results from an A to C substitution at nucleotide position 989. The glutamic acid at codon 330 is replaced by alanine, an amino acid with dissimilar properties. This amino acid position is conserved. In addition, this alteration is predicted to be tolerated by in silico analysis. Since supporting evidence is limited at this time, the clinical significance of this alteration remains unclear.

GeneDx
Classification: Uncertain significance. Last evaluated: 2022-08-22. Review status: criteria provided, single submitter. Criteria: GeneDx Variant Classification Process June 2021. Collection method: clinical testing. Allele origin: germline. Affected: yes.
Comment: Not observed at significant frequency in large population cohorts (gnomAD); In silico analysis supports that this missense variant has a deleterious effect on protein structure/function; Has not been previously published as pathogenic or benign to our knowledge; This variant is associated with the following publications: (PMID: 20951805)

NM_002691.4(POLD1):c.989A>C (p.Glu330Ala)

Gene: POLD1 (DNA polymerase delta 1, catalytic subunit; plus strand). Cytogenetic location: 19q13.33.
Variant type: single nucleotide variant.
Coding change: c.989A>C on transcript NM_002691.4 (MANE Select); coding-DNA position 989, A replaced by C.
Protein change: p.Glu330Ala; replaces glutamic acid 330 with alanine.
Molecular consequence: missense variant. On other transcripts: non-coding transcript variant (1).
Genome position (GRCh38, 1-based): chr19:50,403,071, A>C. VCF-style: chr19-50403071-A-C. GRCh37 (hg19) VCF-style: chr19-50906328-A-C.
Other names: c.989A>C, p.Glu330Ala (NM_001256849.1, NM_001308632.1); c.989A>C (NM_002691.2); short protein forms E330A.
Identifiers: ClinVar variation 2430677 (VCV002430677.4), dbSNP rs1568622036, ClinGen allele CA406977792.